The following is an entry in ClinVar:

NM_030667.3(PTPRO):c.650A>G (p.Gln217Arg)

Gene: PTPRO (protein tyrosine phosphatase receptor type O; plus strand). Cytogenetic location: 12p12.3.
Variant type: single nucleotide variant.
Coding change: c.650A>G on transcript NM_030667.3 (MANE Select); coding-DNA position 650, A replaced by G.
Protein change: p.Gln217Arg; replaces glutamine 217 with arginine.
Molecular consequence: missense variant.
Genome position (GRCh38, 1-based): chr12:15,499,583, A>G. VCF-style: chr12-15499583-A-G. GRCh37 (hg19) VCF-style: chr12-15652517-A-G.
Other names: c.650A>G, p.Gln217Arg (NM_002848.4); short protein forms Q217R.
Identifiers: ClinVar variation 4979901 (VCV004979901.1).

ClinVar aggregate classification (germline): Uncertain significance (1 of 4 stars; one submission).

Conditions:
PTPRO-related disorder. Also called: PTPRO-related condition.

gnomAD v4.1: 16 of 1,613,622 alleles (0.00099%); highest among the groups gnomAD compares: East Asian, 0.0089%; 1 homozygote.

Submission:

PreventionGenetics, part of Exact Sciences
Classification: Uncertain significance for PTPRO-related condition. Last evaluated: 2025-07-03. Review status: criteria provided, single submitter. Criteria: ACMG Guidelines, 2015. Collection method: clinical testing. Allele origin: germline.
Comment: The PTPRO c.650A>G variant is predicted to result in the amino acid substitution p.Gln217Arg. To our knowledge, this variant has not been reported in the literature. This variant is reported in 0.010% of alleles in individuals of East Asian descent in gnomAD. At this time, the clinical significance of this variant is uncertain due to the absence of conclusive functional and genetic evidence.